The following is an entry in ClinVar:

ClinVar aggregate classification (germline): Likely pathogenic. Review status: criteria provided, multiple submitters, no conflicts (2 of 4 stars). 2 submissions from 2 submitters: Likely pathogenic (2). Last evaluated 2025-12-22.

Conditions:
TUBA1A-related disorder. Also called: TUBA1A-related condition.
Lissencephaly due to TUBA1A mutation (CDCBM16). Also called: CORTICAL DYSPLASIA, COMPLEX, WITH OTHER BRAIN MALFORMATIONS 16; Lissencephaly 3. Identifiers: Orphanet 171680, MedGen C4305153, MONDO:0012703, OMIM 611603.

Submissions (2):

PreventionGenetics, part of Exact Sciences
Classification: Likely pathogenic for TUBA1A-related condition. Last evaluated: 2025-12-22. Review status: criteria provided, single submitter. Criteria: ACMG Guidelines, 2015. Collection method: clinical testing. Allele origin: germline.
Comment: The TUBA1A c.875C>T variant is predicted to result in the amino acid substitution p.Thr292Ile. This variant has been reported in an individual with intellectual disability & microcephaly and was absent from the individual's unaffected sibling; however, parental testing was not completed (Aristidou et al. 2022. PubMed ID: 36672823). The c.875C>T variant has not been reported in a large population database (gnomAD), indicating it is rare. Taken together, the c.875C>T (p.Thr292Ile) variant is interpreted as likely pathogenic.

Cytogenetics and Genomics Lab, Cyprus Institute Of Neurology and Genetics
Classification: Likely pathogenic for Lissencephaly due to TUBA1A mutation. Last evaluated: 2022-10-24. Review status: criteria provided, single submitter. Criteria: ACGS Guidelines, 2020. Collection method: research. Allele origin: germline. Affected: yes.

NM_006009.4(TUBA1A):c.875C>T (p.Thr292Ile)

Gene: TUBA1A (tubulin alpha 1a; minus strand). Cytogenetic location: 12q13.12.
Variant type: single nucleotide variant.
Coding change: c.875C>T on transcript NM_006009.4 (MANE Select); coding-DNA position 875, C replaced by T.
Protein change: p.Thr292Ile; replaces threonine 292 with isoleucine.
Molecular consequence: missense variant.
Genome position (GRCh38, 1-based): chr12:49,185,491, G>A on the plus strand (C>T on the coding strand, the complement: TUBA1A is on the minus strand). VCF-style: chr12-49185491-G-A. GRCh37 (hg19) VCF-style: chr12-49579274-G-A.
Other names: c.875C>T, p.Thr292Ile (NM_001270399.2); c.770C>T, p.Thr257Ile (NM_001270400.2); c.875C>T (NM_006009.3); short protein forms T257I, T292I.
Identifiers: ClinVar variation 1801499 (VCV001801499.2), dbSNP rs2498860114, ClinGen allele CA384638913.